The following is an entry in ClinVar:

ClinVar aggregate classification (germline): Uncertain significance. Review status: criteria provided, multiple submitters, no conflicts (2 of 4 stars). 2 submissions from 2 submitters: Uncertain significance (2). Last evaluated 2024-03-06.

Conditions:
Hereditary cancer-predisposing syndrome. Also called: Tumor predisposition; Hereditary neoplastic syndrome; Neoplastic Syndromes, Hereditary; Hereditary Cancer Syndrome. Identifiers: Orphanet 140162, MedGen C0027672, MeSH D009386, MONDO:0015356.
Hereditary diffuse gastric adenocarcinoma (HDGC). Also called: DIFFUSE GASTRIC AND LOBULAR BREAST CANCER SYNDROME. Identifiers: Orphanet 26106, MedGen C1708349, MONDO:0007648, OMIM 137215.

Submissions (2):

Color Diagnostics, LLC DBA Color Health
Classification: Uncertain significance for Hereditary cancer-predisposing syndrome. Last evaluated: 2024-03-06. Review status: criteria provided, single submitter. Criteria: ACMG Guidelines, 2015. Collection method: clinical testing. Allele origin: germline.
Comment: This missense variant replaces glycine with valine at codon 148 of the CDH1 protein. Computational prediction suggests that this variant may not impact protein structure and function (internally defined REVEL score threshold <= 0.5, PMID: 27666373). Splice site prediction tools suggest that this variant may not impact RNA splicing. To our knowledge, functional studies have not been performed for this variant. This variant has not been reported in individuals affected with hereditary cancer in the literature. This variant has not been identified in the general population by the Genome Aggregation Database (gnomAD). The available evidence is insufficient to determine the role of this variant in disease conclusively. Therefore, this variant is classified as a Variant of Uncertain Significance.

Labcorp Genetics (formerly Invitae), Labcorp
Classification: Uncertain significance for Hereditary diffuse gastric adenocarcinoma. Last evaluated: 2022-07-27. Review status: criteria provided, single submitter. Criteria: Invitae Variant Classification Sherloc (09022015). Collection method: clinical testing. Allele origin: germline.
Comment: This sequence change replaces glycine, which is neutral and non-polar, with valine, which is neutral and non-polar, at codon 148 of the CDH1 protein (p.Gly148Val). This variant is not present in population databases (gnomAD no frequency). This variant has not been reported in the literature in individuals affected with CDH1-related conditions. ClinVar contains an entry for this variant (Variation ID: 927427). Algorithms developed to predict the effect of missense changes on protein structure and function are either unavailable or do not agree on the potential impact of this missense change (SIFT: "Deleterious"; PolyPhen-2: "Benign"; Align-GVGD: "Class C65"). In summary, the available evidence is currently insufficient to determine the role of this variant in disease. Therefore, it has been classified as a Variant of Uncertain Significance.

NM_004360.5(CDH1):c.443G>T (p.Gly148Val)

Gene: CDH1 (cadherin 1; plus strand). Cytogenetic location: 16q22.1.
Variant type: single nucleotide variant.
Coding change: c.443G>T on transcript NM_004360.5 (MANE Select); coding-DNA position 443, G replaced by T.
Protein change: p.Gly148Val; replaces glycine 148 with valine.
Molecular consequence: missense variant. On other transcripts: 5 prime UTR variant (2).
Genome position (GRCh38, 1-based): chr16:68,808,479, G>T. VCF-style: chr16-68808479-G-T. GRCh37 (hg19) VCF-style: chr16-68842382-G-T.
Other names: c.443G>T, p.Gly148Val (NM_001317184.2); c.-1173G>T (NM_001317185.2); c.-1377G>T (NM_001317186.2); short protein forms G148V.
Identifiers: ClinVar variation 927427 (VCV000927427.10), dbSNP rs1960726961, ClinGen allele CA396457629.